The following is an entry in ClinVar:

ClinVar aggregate classification (germline): Pathogenic/Likely pathogenic. Review status: criteria provided, multiple submitters, no conflicts (2 of 4 stars). 4 submissions from 4 submitters: Pathogenic (3); Likely pathogenic (1). Last evaluated 2025-02-06.

Conditions:
Leber congenital amaurosis (LCA). Also called: Leber's amaurosis. Identifiers: Orphanet 65, MedGen C0339527, MeSH D057130, MONDO:0018998.
Bardet-Biedl syndrome 14 (BBS14). Identifiers: Orphanet 110, MedGen C2673874, MONDO:0014442, OMIM 615991.
CEP290-related ciliopathy. Also called: CEP290 ciliopathy. Identifiers: MedGen CN305601, MONDO:0100451.
Meckel-Gruber syndrome. Also called: Dysencephalia splachnocystica; DYSENCEPHALIA SPLANCHNOCYSTICA; GRUBER SYNDROME. Identifiers: Orphanet 564, MedGen C0265215, MONDO:0018921.
Nephronophthisis. Also called: Juvenile Nephronophthisis. Identifiers: Orphanet 655, MedGen C0687120, MONDO:0019005, HP:0000090.
Joubert syndrome. Also called: Familial aplasia of the vermis; JOUBERT-BOLTSHAUSER SYNDROME. Identifiers: Orphanet 475, MedGen C5979921, MONDO:0018772.

Allele frequency attached by ClinVar (database versions not stated): gnomAD exomes below 0.00001 and 0.00001; ExAC 0.00001.
gnomAD v4.1: 3 of 1,612,890 alleles (0.00019%); highest among the groups gnomAD compares: Admixed American, 0.0033%; no homozygotes.

Submissions (4):

Labcorp Genetics (formerly Invitae), Labcorp
Classification: Pathogenic for Joubert syndrome; Meckel-Gruber syndrome; Nephronophthisis. Last evaluated: 2025-02-06. Review status: criteria provided, single submitter. Criteria: Invitae Variant Classification Sherloc (09022015). Collection method: clinical testing. Allele origin: germline.
Comment: This sequence change creates a premature translational stop signal (p.Gln1551*) in the CEP290 gene. It is expected to result in an absent or disrupted protein product. Loss-of-function variants in CEP290 are known to be pathogenic (PMID: 16909394, 17345604, 20690115). This variant is present in population databases (rs746305733, gnomAD 0.006%). This variant has not been reported in the literature in individuals affected with CEP290-related conditions. ClinVar contains an entry for this variant (Variation ID: 1403957). For these reasons, this variant has been classified as Pathogenic.

Myriad Genetics, Inc.
Classification: Pathogenic for CEP290-related ciliopathy. Last evaluated: 2024-10-26. Review status: criteria provided, single submitter. Criteria: Myriad Autosomal Dominant, Autosomal Recessive and X-Linked Classification Criteria (2023). Collection method: clinical testing. Allele origin: unknown.
Comment: NM_025114.3(CEP290):c.4651C>T(Q1551*) is expected to be pathogenic in the context of CEP290-related disorders. This variant is predicted to lead to an abnormal or absent protein product due to the creation of a premature termination codon in CEP290, a gene where loss-of-function variants are known to be pathogenic. Please note: this variant was assessed in the context of healthy population screening.

Natera, Inc.
Classification: Pathogenic for Leber congenital amaurosis. Last evaluated: 2024-06-25. Review status: criteria provided, single submitter. Criteria: Natera Variant Classification Schema (03/2026). Collection method: clinical testing. Allele origin: germline.
Comment: The c.4651C>T variant in CEP290 is a nonsense variant predicted to introduce a stop codon at amino acid 1551. This variant is expected to result in nonsense mediated decay, truncation, or a dysfunctional protein product. This variant is rare in the general population with a frequency below the threshold expected for the associated phenotype(s). This variant has been observed in one or more individuals affected with the associated recessive disease, as either homozygous or compound heterozygous with a second variant (PMID: 38347443). Given the available evidence, this variant is classified as Pathogenic.

Baylor Genetics
Classification: Likely pathogenic for Bardet-Biedl syndrome 14. Last evaluated: 2024-02-06. Review status: criteria provided, single submitter. Criteria: ACMG Guidelines, 2015. Collection method: clinical testing. Allele origin: unknown.

Literature cited by the submitters: PubMed 16909394 (cited by Labcorp Genetics (formerly Invitae), Labcorp); PubMed 17345604 (cited by Labcorp Genetics (formerly Invitae), Labcorp); PubMed 20690115 (cited by Labcorp Genetics (formerly Invitae), Labcorp); PubMed 38347443 (cited by Natera, Inc.).

NM_025114.4(CEP290):c.4651C>T (p.Gln1551Ter)

Gene: CEP290 (centrosomal protein 290; minus strand). Cytogenetic location: 12q21.32.
Variant type: single nucleotide variant.
Coding change: c.4651C>T on transcript NM_025114.4 (MANE Select); coding-DNA position 4651, C replaced by T.
Protein change: p.Gln1551Ter; replaces glutamine 1551 with a stop codon.
Molecular consequence: nonsense.
Genome position (GRCh38, 1-based): chr12:88,084,639, G>A on the plus strand (C>T on the coding strand, the complement: CEP290 is on the minus strand). VCF-style: chr12-88084639-G-A. GRCh37 (hg19) VCF-style: chr12-88478416-G-A.
Other names: c.4651C>T (NM_025114.3); short protein forms Q1551*.
Identifiers: ClinVar variation 1403957 (VCV001403957.10), dbSNP rs746305733, ClinGen allele CA6711898.